The following is an entry in ClinVar:

ClinVar aggregate classification (germline): Likely benign (1 of 4 stars; one submission).

Conditions:
TJP2-related disorder. Also called: TJP2-related condition.

gnomAD v4.1: 4 of 1,550,636 alleles (0.00026%); highest among the groups gnomAD compares: South Asian, 0.0012%; no homozygotes.

Submission:

PreventionGenetics, part of Exact Sciences
Classification: Likely benign for TJP2-related condition. Last evaluated: 2025-06-24. Review status: criteria provided, single submitter. Criteria: ACMG Guidelines, 2015. Collection method: clinical testing. Allele origin: germline.
Comment: This variant is classified as likely benign based on ACMG/AMP sequence variant interpretation guidelines (Richards et al. 2015 PMID: 25741868, with internal and published modifications).

NM_004817.4(TJP2):c.60+9C>T

Gene: TJP2 (tight junction protein 2; plus strand). Cytogenetic location: 9q21.11.
Variant type: single nucleotide variant.
Coding change: c.60+9C>T on transcript NM_004817.4 (MANE Select); 9 bases into the intron after coding-DNA position 60, C replaced by T.
Molecular consequence: intron variant.
Genome position (GRCh38, 1-based): chr9:69,174,441, C>T. VCF-style: chr9-69174441-C-T. GRCh37 (hg19) VCF-style: chr9-71789357-C-T.
Other names: c.-10+22670C>T (NM_001170414.2, NM_001369870.1); c.-127-10646C>T (NM_001369871.1); c.60+9C>T (NM_201629.3, NM_001369872.1, NM_001369873.1).
Identifiers: ClinVar variation 4980789 (VCV004980789.1).